The following is an entry in ClinVar:

ClinVar aggregate classification (germline): Uncertain significance (1 of 4 stars; one submission).

Conditions:
Gorlin syndrome. Also called: Basal cell nevus syndrome; Nevoid Basal Cell Carcinoma Syndrome. Identifiers: Orphanet 377, MedGen C0004779, MONDO:0007187.

Submission:

Labcorp Genetics (formerly Invitae), Labcorp
Classification: Uncertain significance for Gorlin syndrome. Last evaluated: 2017-10-06. Review status: criteria provided, single submitter. Criteria: Invitae Variant Classification Sherloc (09022015). Collection method: clinical testing. Allele origin: germline.
Comment: This sequence change replaces arginine with leucine at codon 1319 of the PTCH1 protein (p.Arg1319Leu). The arginine residue is moderately conserved and there is a moderate physicochemical difference between arginine and leucine. This variant is not present in population databases (ExAC no frequency). This variant has not been reported in the literature in individuals with PTCH1-related disease. Algorithms developed to predict the effect of missense changes on protein structure and function do not agree on the potential impact of this missense change (SIFT: "Deleterious"; PolyPhen-2: "Possibly Damaging"; Align-GVGD: "Class C0"). In summary, the available evidence is currently insufficient to determine the role of this variant in disease. Therefore, it has been classified as a Variant of Uncertain Significance.

NM_000264.5(PTCH1):c.3956G>T (p.Arg1319Leu)

Gene: PTCH1 (patched 1; minus strand). Cytogenetic location: 9q22.32.
Variant type: single nucleotide variant.
Coding change: c.3956G>T on transcript NM_000264.5 (MANE Select); coding-DNA position 3956, G replaced by T.
Protein change: p.Arg1319Leu; replaces arginine 1319 with leucine.
Molecular consequence: missense variant. On other transcripts: non-coding transcript variant (1).
Genome position (GRCh38, 1-based): chr9:95,447,300, C>A on the plus strand (G>T on the coding strand, the complement: PTCH1 is on the minus strand). VCF-style: chr9-95447300-C-A. GRCh37 (hg19) VCF-style: chr9-98209582-C-A.
Other names: c.3758G>T, p.Arg1253Leu (NM_001083602.3); c.3953G>T, p.Arg1318Leu (NM_001083603.3); c.3503G>T, p.Arg1168Leu (NM_001083604.3, NM_001083605.3, NM_001083606.3 and 1 more transcripts); c.3800G>T, p.Arg1267Leu (NM_001354918.2); short protein forms R1253L, R1319L, R1168L, R1318L, R1267L.
Identifiers: ClinVar variation 524589 (VCV000524589.9), dbSNP rs572658914, ClinGen allele CA374110596.
Genomic context (GRCh38, chr9:95,447,300, plus strand): 5'-CAGCGGGCCCTATTGCTAGGGCCAGAATGCCCTTCAGTAGAAATTTCAAAAGCGTCTCTG[C>A]GCGGTCTGTAGGGGGGTGGCCACAAGCCTTCTCTGGGGGGGTCCCTGCGGGGCTGCTGGC-3'
Protein context (NP_000255.2, residues 1309-1329): EGLWPPPYRP[Arg1319Leu]RDAFEISTEG